The following is an entry in ClinVar:

NM_000383.4(AIRE):c.1031C>T (p.Thr344Ile)

Gene: AIRE (autoimmune regulator; plus strand). Cytogenetic location: 21q22.3.
Variant type: single nucleotide variant.
Coding change: c.1031C>T on transcript NM_000383.4 (MANE Select); coding-DNA position 1031, C replaced by T.
Protein change: p.Thr344Ile; replaces threonine 344 with isoleucine.
Molecular consequence: missense variant.
Genome position (GRCh38, 1-based): chr21:44,292,337, C>T. VCF-style: chr21-44292337-C-T. GRCh37 (hg19) VCF-style: chr21-45712220-C-T.
Other names: c.1031C>T (NM_000383.3, NM_000383.2); short protein forms T344I.
Identifiers: ClinVar variation 1039748 (VCV001039748.8), dbSNP rs929430876, ClinGen allele CA321794611.

ClinVar aggregate classification (germline): Uncertain significance. Review status: criteria provided, multiple submitters, no conflicts (2 of 4 stars). 4 submissions from 4 submitters: Uncertain significance (3). 1 of the submissions does not count toward it. Last evaluated 2023-10-11.

Conditions:
Inborn genetic diseases. Identifiers: MedGen C0950123, MeSH D030342.
Polyglandular autoimmune syndrome, type 1 (APS1). Also called: PGA I; AUTOIMMUNE POLYENDOCRINE SYNDROME, TYPE I, WITH OR WITHOUT REVERSIBLE METAPHYSEAL DYSPLASIA; Autoimmune polyendocrine syndrome type 1; HYPOADRENOCORTICISM WITH HYPOPARATHYROIDISM AND SUPERFICIAL MONILIASIS; Autoimmune polyendocrinopathy syndrome, type I; APS I. Identifiers: Orphanet 3453, MedGen C0085859, MONDO:0009411, OMIM 240300.

Allele frequency attached by ClinVar (database versions not stated): TOPMed below 0.00001; gnomAD 0.00002 and 0.00003.
gnomAD v4.1: 9 of 1,577,850 alleles (0.00057%); highest among the groups gnomAD compares: Admixed American, 0.013%; no homozygotes.

Submissions (4):

Ambry Genetics
Classification: Uncertain significance for Inborn genetic diseases. Last evaluated: 2023-10-11. Review status: criteria provided, single submitter. Criteria: Ambry Variant Classification Scheme 2023. Collection method: clinical testing. Allele origin: germline.

Women's Health and Genetics/Laboratory Corporation of America, LabCorp
Classification: Uncertain significance. Last evaluated: 2023-09-27. Review status: criteria provided, single submitter. Criteria: LabCorp Variant Classification Summary - May 2015. Collection method: clinical testing. Allele origin: germline.
Comment: Variant summary: AIRE c.1031C>T (p.Thr344Ile) results in a non-conservative amino acid change in the encoded protein sequence. Three of five in-silico tools predict a benign effect of the variant on protein function. The variant allele was found at a frequency of 1.1e-05 in 187376 control chromosomes (gnomAD). The available data on variant occurrences in the general population are insufficient to allow any conclusion about variant significance. To our knowledge, no occurrence of c.1031C>T in individuals affected with Autoimmune Polyglandular Syndrome Type 1 and no experimental evidence demonstrating its impact on protein function have been reported. Two submitters have cited clinical-significance assessments for this variant to ClinVar after 2014. All submitters classified the variant as uncertain significance. Based on the evidence outlined above, the variant was classified as uncertain significance.

Labcorp Genetics (formerly Invitae), Labcorp
Classification: Uncertain significance for Polyglandular autoimmune syndrome, type 1. Last evaluated: 2022-06-27. Review status: criteria provided, single submitter. Criteria: Invitae Variant Classification Sherloc (09022015). Collection method: clinical testing. Allele origin: germline.
Comment: This sequence change replaces threonine, which is neutral and polar, with isoleucine, which is neutral and non-polar, at codon 344 of the AIRE protein (p.Thr344Ile). The frequency data for this variant in the population databases is considered unreliable, as metrics indicate poor data quality at this position in the gnomAD database. This variant has not been reported in the literature in individuals affected with AIRE-related conditions. ClinVar contains an entry for this variant (Variation ID: 1039748). Algorithms developed to predict the effect of missense changes on protein structure and function (SIFT, PolyPhen-2, Align-GVGD) all suggest that this variant is likely to be tolerated. In summary, the available evidence is currently insufficient to determine the role of this variant in disease. Therefore, it has been classified as a Variant of Uncertain Significance.

Natera, Inc.
Classification: Uncertain significance for Polyglandular autoimmune syndrome type 1. Last evaluated: 2020-01-17. Review status: no assertion criteria provided. Collection method: clinical testing. Allele origin: germline. Not counted in ClinVar's aggregate classification.